The following is an entry in ClinVar:

ClinVar aggregate classification (germline): Uncertain significance. Review status: criteria provided, single submitter (1 of 4 stars). 3 submissions from 3 submitters: Uncertain significance (1). 2 of the submissions do not count toward it. Last evaluated 2018-10-15.

Conditions:
Short rib-polydactyly syndrome. Identifiers: Orphanet 1505, MedGen C0036996, MONDO:0015461.
Short-rib thoracic dysplasia 19 with or without polydactyly. Identifiers: MedGen C4693524, MONDO:0033485, OMIM 617895.

Submissions (3):

SIB Swiss Institute of Bioinformatics
Classification: Uncertain significance for Short-rib thoracic dysplasia 19 with or without polydactyly. Last evaluated: 2018-10-15. Review status: criteria provided, single submitter. Criteria: ACMG Guidelines, 2015. Collection method: curation. Allele origin: germline.
Comment: This variant is interpreted as Uncertain Significance - Insufficient Evidence, for Short-rib thoracic dysplasia 19 with or without polydactyly, autosomal recessive. The following ACMG Tag(s) were applied: PM2 => Absent from controls (or at extremely low frequency if recessive) in Exome Sequencing Project, 1000 Genomes Project, or Exome Aggregation Consortium. PM3 => For recessive disorders, detected in trans with a pathogenic variant (PubMed 27666822).

OMIM
Classification: Pathogenic for SHORT-RIB THORACIC DYSPLASIA 19 WITH POLYDACTYLY. Last evaluated: 2018-03-28. Review status: no assertion criteria provided. Collection method: literature only. Allele origin: germline. Not counted in ClinVar's aggregate classification.

University of Washington Center for Mendelian Genomics, University of Washington
Classification: Likely pathogenic for Short Rib Polydactyly Syndrome. Review status: no assertion criteria provided. Collection method: research. Allele origin: inherited. Affected: yes. Observed: 1 compound heterozygote. Not counted in ClinVar's aggregate classification.

Literature cited by the submitters: PubMed 27666822 (cited by 3 submitters).

NM_014055.4(IFT81):c.1300CTT[1] (p.Leu435del)

Gene: IFT81 (intraflagellar transport 81; plus strand). Cytogenetic location: 12q24.11.
Variant type: Microsatellite.
Coding change: c.1300CTT[1] on transcript NM_014055.4 (MANE Select); one copy of the 3-base unit CTT starting at c.1300; the reference has two copies in a row; one copy, 3 bases deleted.
Protein change: p.Leu435del; deletes leucine 435.
Molecular consequence: inframe deletion. On other transcripts: non-coding transcript variant (4).
Genome position (GRCh38, 1-based): chr12:110,180,536-110,180,538, CTT deleted; deleting any 3 consecutive bases within chr12:110,180,533-110,180,538 gives the same sequence; the position shown is the placement nearest the transcript's 3' end. VCF-style (leftmost placement, unchanged base first): chr12-110180532-ACTT-A. GRCh37 (hg19) VCF-style: chr12-110618337-ACTT-A.
Other names: c.1300CTT[1], p.Leu435del (NM_001143779.2); c.370CTT[1], p.Leu125del (NM_001347947.2, NM_001347948.2); short protein forms L435del, L125del.
Identifiers: ClinVar variation 495124 (VCV000495124.2), dbSNP rs1555266475, ClinGen allele CA481849086.